The following is an entry in ClinVar:

NM_006445.4(PRPF8):c.6053C>T (p.Ala2018Val)

Gene: PRPF8 (pre-mRNA processing factor 8; minus strand). Cytogenetic location: 17p13.3.
Variant type: single nucleotide variant.
Coding change: c.6053C>T on transcript NM_006445.4 (MANE Select); coding-DNA position 6053, C replaced by T.
Protein change: p.Ala2018Val; replaces alanine 2018 with valine.
Molecular consequence: missense variant.
Genome position (GRCh38, 1-based): chr17:1,653,951, G>A on the plus strand (C>T on the coding strand, the complement: PRPF8 is on the minus strand). VCF-style: chr17-1653951-G-A. GRCh37 (hg19) VCF-style: chr17-1557245-G-A.
Other names: short protein forms A2018V.
Identifiers: ClinVar variation 3774774 (VCV003774774.2).

ClinVar aggregate classification (germline): Uncertain significance. Review status: criteria provided, multiple submitters, no conflicts (2 of 4 stars). 2 submissions from 2 submitters: Uncertain significance (2). Last evaluated 2024-09-30.

gnomAD v4.1: 2 of 1,613,634 alleles (0.00012%); highest among the groups gnomAD compares: Non-Finnish European, 0.00017%; no homozygotes.

Submissions (2):

GeneDx
Classification: Uncertain significance. Last evaluated: 2024-09-30. Review status: criteria provided, single submitter. Criteria: GeneDx Variant Classification Process June 2021. Collection method: clinical testing. Allele origin: germline. Affected: yes.
Comment: Not observed at significant frequency in large population cohorts (gnomAD); In silico analysis indicates that this missense variant does not alter protein structure/function; Has not been previously published as pathogenic or benign to our knowledge

Blueprint Genetics
Classification: Uncertain significance. Last evaluated: 2018-10-12. Review status: criteria provided, single submitter. Criteria: ACMG Guidelines, 2015. Collection method: clinical testing. Allele origin: germline.